The following is an entry in ClinVar:

ClinVar aggregate classification (germline): Uncertain significance (1 of 4 stars; one submission).

Submission:

Labcorp Genetics (formerly Invitae), Labcorp
Classification: Uncertain significance. Last evaluated: 2024-11-18. Review status: criteria provided, single submitter. Criteria: Invitae Variant Classification Sherloc (09022015). Collection method: clinical testing. Allele origin: germline.
Comment: This sequence change replaces cysteine, which is neutral and slightly polar, with tyrosine, which is neutral and polar, at codon 133 of the ACAN protein (p.Cys133Tyr). This variant is not present in population databases (gnomAD no frequency). This variant has not been reported in the literature in individuals affected with ACAN-related conditions. Invitae Evidence Modeling of protein sequence and biophysical properties (such as structural, functional, and spatial information, amino acid conservation, physicochemical variation, residue mobility, and thermodynamic stability) indicates that this missense variant is not expected to disrupt ACAN protein function with a negative predictive value of 80%. In summary, the available evidence is currently insufficient to determine the role of this variant in disease. Therefore, it has been classified as a Variant of Uncertain Significance.

NM_001369268.1(ACAN):c.398G>A (p.Cys133Tyr)

Gene: ACAN (aggrecan; plus strand). Cytogenetic location: 15q26.1.
Variant type: single nucleotide variant.
Coding change: c.398G>A on transcript NM_001369268.1 (MANE Select); coding-DNA position 398, G replaced by A.
Protein change: p.Cys133Tyr; replaces cysteine 133 with tyrosine.
Molecular consequence: missense variant.
Genome position (GRCh38, 1-based): chr15:88,838,990, G>A. VCF-style: chr15-88838990-G-A. GRCh37 (hg19) VCF-style: chr15-89382221-G-A.
Other names: c.398G>A, p.Cys133Tyr (NM_001411096.1, NM_001411097.1, NM_013227.4 and 1 more transcripts); short protein forms C133Y.
Identifiers: ClinVar variation 3704118 (VCV003704118.2).